The following is an entry in ClinVar:

NM_004320.6(ATP2A1):c.333C>T (p.Asn111=)

Gene: ATP2A1 (ATPase sarcoplasmic/endoplasmic reticulum Ca2+ transporting 1; plus strand). Cytogenetic location: 16p11.2.
Variant type: single nucleotide variant.
Coding change: c.333C>T on transcript NM_004320.6 (MANE Select); coding-DNA position 333, C replaced by T.
Protein change: p.Asn111=; no amino-acid change (asparagine 111 retained).
Molecular consequence: synonymous variant. On other transcripts: 5 prime UTR variant (1).
Genome position (GRCh38, 1-based): chr16:28,882,459, C>T. VCF-style: chr16-28882459-C-T. GRCh37 (hg19) VCF-style: chr16-28893780-C-T.
Other names: c.333C>T (NM_173201.3); c.-43C>T (NM_001286075.2); c.333C>T, p.Asn111= (NM_173201.5).
Identifiers: ClinVar variation 2918220 (VCV002918220.5), dbSNP rs139337937, ClinGen allele CA7986627.

ClinVar aggregate classification (germline): Likely benign. Review status: criteria provided, single submitter (1 of 4 stars). 2 submissions from 2 submitters: Likely benign (1). 1 of the submissions does not count toward it. Last evaluated 2025-05-21.

Conditions:
ATP2A1-related disorder. Also called: ATP2A1-related condition.
Brody myopathy. Also called: BRODY DISEASE. Identifiers: Orphanet 53347, MedGen C1832918, MONDO:0010977, OMIM 601003.

Allele frequency attached by ClinVar (database versions not stated): ExAC 0.00001; gnomAD 0.00001; gnomAD exomes 0.00002; TOPMed 0.00003; ESP Exome Variant Server 0.00008.
gnomAD v4.1: 27 of 1,614,014 alleles (0.0017%); highest among the groups gnomAD compares: East Asian, 0.013%; no homozygotes.

Submissions (2):

Labcorp Genetics (formerly Invitae), Labcorp
Classification: Likely benign for Brody myopathy. Last evaluated: 2025-05-21. Review status: criteria provided, single submitter. Criteria: Invitae Variant Classification Sherloc (09022015). Collection method: clinical testing. Allele origin: germline.

PreventionGenetics, part of Exact Sciences
Classification: Likely benign for ATP2A1-related condition. Last evaluated: 2019-03-13. Review status: no assertion criteria provided. Collection method: clinical testing. Allele origin: germline. Not counted in ClinVar's aggregate classification.
Comment: This variant is classified as likely benign based on ACMG/AMP sequence variant interpretation guidelines (Richards et al. 2015 PMID: 25741868, with internal and published modifications).